The following is an entry in ClinVar:

NM_000246.4(CIITA):c.1436C>T (p.Ala479Val)

Gene: CIITA (class II major histocompatibility complex transactivator; plus strand). Cytogenetic location: 16p13.13.
Variant type: single nucleotide variant.
Coding change: c.1436C>T on transcript NM_000246.4 (MANE Select); coding-DNA position 1436, C replaced by T.
Protein change: p.Ala479Val; replaces alanine 479 with valine.
Molecular consequence: missense variant. On other transcripts: intron variant (1).
Genome position (GRCh38, 1-based): chr16:10,906,928, C>T. VCF-style: chr16-10906928-C-T. GRCh37 (hg19) VCF-style: chr16-11000785-C-T.
Other names: c.1439C>T, p.Ala480Val (NM_001286402.1, NM_001379332.1); c.1292C>T, p.Ala431Val (NM_001379330.1); c.1289C>T, p.Ala430Val (NM_001379331.1); c.1436C>T, p.Ala479Val (NM_001379333.1); c.1367C>T, p.Ala456Val (NM_001379334.1); c.860-2055C>T (NM_001286403.2); short protein forms A430V, A431V, A456V, A479V, A480V.
Identifiers: ClinVar variation 991990 (VCV000991990.3), dbSNP rs901729238, ClinGen allele CA394730754.
Genomic context (GRCh38, chr16:10,906,928, plus strand): 5'-CGGGGGATGCCTATGGCCTGCAGGATCTGCTCTTCTCCCTGGGCCCACAGCCACTCGTGG[C>T]GGCCGATGAGGTTTTCAGCCACATCTTGAAGAGACCTGACCGCGTTCTGCTCATCCTAGA-3'
Protein context (NP_000237.2, residues 469-489): LFSLGPQPLV[Ala479Val]ADEVFSHILK

ClinVar aggregate classification (germline): Uncertain significance. Review status: criteria provided, single submitter (1 of 4 stars). 2 submissions from 2 submitters: Uncertain significance (1). 1 of the submissions does not count toward it. Last evaluated 2022-05-03.

Conditions:
MHC class II deficiency. Also called: Bare lymphocyte syndrome 2; BLS, TYPE II. Identifiers: Orphanet 572, MedGen C5447452, MONDO:0008855.

Allele frequency attached by ClinVar (database versions not stated): TOPMed 0.00001; gnomAD 0.00002.
gnomAD v4.1: 15 of 1,613,212 alleles (0.00093%); highest among the groups gnomAD compares: African/African-American, 0.004%; no homozygotes.

Submissions (2):

Labcorp Genetics (formerly Invitae), Labcorp
Classification: Uncertain significance for MHC class II deficiency. Last evaluated: 2022-05-03. Review status: criteria provided, single submitter. Criteria: Invitae Variant Classification Sherloc (09022015). Collection method: clinical testing. Allele origin: germline.
Comment: This sequence change replaces alanine, which is neutral and non-polar, with valine, which is neutral and non-polar, at codon 479 of the CIITA protein (p.Ala479Val). This variant is present in population databases (no rsID available, gnomAD 0.003%). This variant has not been reported in the literature in individuals affected with CIITA-related conditions. ClinVar contains an entry for this variant (Variation ID: 991990). Algorithms developed to predict the effect of missense changes on protein structure and function output the following: SIFT: "Tolerated"; PolyPhen-2: "Benign"; Align-GVGD: "Class C0". The valine amino acid residue is found in multiple mammalian species, which suggests that this missense change does not adversely affect protein function. In summary, the available evidence is currently insufficient to determine the role of this variant in disease. Therefore, it has been classified as a Variant of Uncertain Significance.

Natera, Inc.
Classification: Uncertain significance for Bare lymphocyte syndrome type II. Last evaluated: 2020-10-23. Review status: no assertion criteria provided. Collection method: clinical testing. Allele origin: germline. Not counted in ClinVar's aggregate classification.